The following is an entry in ClinVar:

NM_001099274.3(TINF2):c.1079A>G (p.Tyr360Cys)

Gene: TINF2 (TERF1 interacting nuclear factor 2; minus strand). Cytogenetic location: 14q12.
Variant type: single nucleotide variant.
Coding change: c.1079A>G on transcript NM_001099274.3 (MANE Select); coding-DNA position 1079, A replaced by G.
Protein change: p.Tyr360Cys; replaces tyrosine 360 with cysteine.
Molecular consequence: missense variant. On other transcripts: 3 prime UTR variant (1).
Genome position (GRCh38, 1-based): chr14:24,240,313, T>C on the plus strand (A>G on the coding strand, the complement: TINF2 is on the minus strand). VCF-style: chr14-24240313-T-C. GRCh37 (hg19) VCF-style: chr14-24709519-T-C.
Other names: c.974A>G, p.Tyr325Cys (NM_001363668.2); c.*102A>G (NM_012461.3); short protein forms Y325C, Y360C.
Identifiers: ClinVar variation 1971256 (VCV001971256.5), dbSNP rs2502452653, ClinGen allele CA389222908.
Genomic context (GRCh38, chr14:24,240,313, plus strand): 5'-GACTACCTACCTGGCTTCCTGGCCCTAGGAGGTAATAATGATAGTCTCAGGGGGTCCATG[T>C]AGCAATCCAAGCAATTCCTGAGGTGAGAGCAAGCAAAGAGGATAGGATGAAGGGAAGGCA-3'
Protein context (NP_001092744.1, residues 350-370): TEQKENCLDC[Tyr360Cys]MDPLRLSLLP

ClinVar aggregate classification (germline): Uncertain significance (1 of 4 stars; one submission).

Conditions:
Dyskeratosis congenita. Identifiers: Orphanet 1775, MedGen C0265965, MONDO:0015780.

Submission:

Labcorp Genetics (formerly Invitae), Labcorp
Classification: Uncertain significance for Dyskeratosis congenita. Last evaluated: 2022-10-16. Review status: criteria provided, single submitter. Criteria: Invitae Variant Classification Sherloc (09022015). Collection method: clinical testing. Allele origin: germline.
Comment: This variant is not present in population databases (gnomAD no frequency). This sequence change replaces tyrosine, which is neutral and polar, with cysteine, which is neutral and slightly polar, at codon 360 of the TINF2 protein (p.Tyr360Cys). This variant has not been reported in the literature in individuals affected with TINF2-related conditions. In summary, the available evidence is currently insufficient to determine the role of this variant in disease. Therefore, it has been classified as a Variant of Uncertain Significance. Algorithms developed to predict the effect of missense changes on protein structure and function are either unavailable or do not agree on the potential impact of this missense change (SIFT: "Tolerated"; PolyPhen-2: "Possibly Damaging"; Align-GVGD: "Class C0").